The following is an entry in ClinVar:

NM_005751.5(AKAP9):c.5363C>G (p.Thr1788Arg)

Gene: AKAP9 (A-kinase anchoring protein 9; plus strand). Cytogenetic location: 7q21.2.
Variant type: single nucleotide variant.
Coding change: c.5363C>G on transcript NM_005751.5 (MANE Select); coding-DNA position 5363, C replaced by G.
Protein change: p.Thr1788Arg; replaces threonine 1788 with arginine.
Molecular consequence: missense variant.
Genome position (GRCh38, 1-based): chr7:92,045,208, C>G. VCF-style: chr7-92045208-C-G. GRCh37 (hg19) VCF-style: chr7-91674522-C-G.
Other names: c.5363C>G, p.Thr1788Arg (NM_147185.3); short protein forms T1788R.
Identifiers: ClinVar variation 581327 (VCV000581327.8), dbSNP rs757844124, ClinGen allele CA161902592.

ClinVar aggregate classification (germline): Uncertain significance (1 of 4 stars; one submission).

Conditions:
Long QT syndrome (LQTS). Identifiers: MedGen C0023976, MeSH D008133, MONDO:0002442. Disease mechanism: loss of function. Inheritance: Various modes of inheritance.

Allele frequency attached by ClinVar (database versions not stated): gnomAD exomes below 0.00001.
gnomAD v4.1: 1 of 1,613,374 alleles (0.000062%); highest among the groups gnomAD compares: Non-Finnish European, 0.000085%; no homozygotes.

Submission:

Labcorp Genetics (formerly Invitae), Labcorp
Classification: Uncertain significance for Long QT syndrome. Last evaluated: 2018-03-07. Review status: criteria provided, single submitter. Criteria: Invitae Variant Classification Sherloc (09022015). Collection method: clinical testing. Allele origin: germline.
Comment: This variant is not present in population databases (ExAC no frequency). This sequence change replaces threonine with arginine at codon 1788 of the AKAP9 protein (p.Thr1788Arg). The threonine residue is weakly conserved and there is a moderate physicochemical difference between threonine and arginine. This variant has not been reported in the literature in individuals with AKAP9-related disease. In summary, the available evidence is currently insufficient to determine the role of this variant in disease. Therefore, it has been classified as a Variant of Uncertain Significance. Algorithms developed to predict the effect of missense changes on protein structure and function output the following: SIFT: "Tolerated"; PolyPhen-2: "Benign"; Align-GVGD: "Class C0". The arginine amino acid residue is found in multiple mammalian species, suggesting that this missense change does not adversely affect protein function. These predictions have not been confirmed by published functional studies and their clinical significance is uncertain.